The following is an entry in ClinVar:

NM_000092.5(COL4A4):c.3973G>C (p.Gly1325Arg)

Gene: COL4A4 (collagen type IV alpha 4 chain; minus strand). Cytogenetic location: 2q36.3.
Variant type: single nucleotide variant.
Coding change: c.3973G>C on transcript NM_000092.5 (MANE Select); coding-DNA position 3973, G replaced by C.
Protein change: p.Gly1325Arg; replaces glycine 1325 with arginine.
Molecular consequence: missense variant.
Genome position (GRCh38, 1-based): chr2:227,030,443, C>G on the plus strand (G>C on the coding strand, the complement: COL4A4 is on the minus strand). VCF-style: chr2-227030443-C-G. GRCh37 (hg19) VCF-style: chr2-227895159-C-G.
Other names: short protein forms G1325R.
Identifiers: ClinVar variation 4531826 (VCV004531826.1).

ClinVar aggregate classification (germline): Likely pathogenic (1 of 4 stars; one submission).

Conditions:
Alport syndrome. Also called: Hemorrhagic familial nephritis; Hemorrhagic hereditary nephritis; Congenital hereditary hematuria. Identifiers: Orphanet 63, MedGen C1567741, MONDO:0018965.

gnomAD v4.1: 17 of 1,614,016 alleles (0.0011%); highest among the groups gnomAD compares: South Asian, 0.018%; no homozygotes.

Submission:

Victorian Clinical Genetics Services, Murdoch Childrens Research Institute
Classification: Likely pathogenic for Alport syndrome. Last evaluated: 2024-10-14. Review status: criteria provided, single submitter. Criteria: ACMG Guidelines, 2015. Collection method: clinical testing. Allele origin: germline. Affected: yes.
Comment: This variant is classified as Likely pathogenic. Evidence in support of pathogenic classification: Variant is present in gnomAD <0.01 (v4: 17 heterozygote(s), 0 homozygote(s)); Variant is located in the well-established functional Gly-X-Y motif (DECIPHER). - Missense variant predicted to be damaging by an in silico tool or highly conserved with a major amino acid change. Additional information: Variant is predicted to result in a missense amino acid change from glycine to arginine; This variant is heterozygous; This gene is associated with both recessive and dominant disease. Alport syndrome typically has biallelic inheritance, although rare cases of monoallelic inheritance have been reported (PMID: 28704582). Thin basement membrane nephropathy (TBMN) and focal segmental glomerulosclerosis (FSGS) are associated with autosomal dominant inheritance (OMIM, PMIDs: 16467446, 17942953); This variant has no previous evidence of pathogenicity; No published segregation evidence has been identified for this variant; No published functional evidence has been identified for this variant; Another missense variant(s) comparable to the one identified in this case has inconclusive previous evidence for pathogenicity. An alternative change, p.(Gly1325Glu), has been classified as a VUS by a clinical laboratory in ClinVar; Loss of function is a known mechanism of disease for this gene and is associated with Alport syndrome. Dominant negative is a suspected mechanism of disease for this gene as it is a structural protein (PMIDs: 12028435, 24046192); Inheritance information for this variant is not currently available in this individual.

Literature cited by the submitters: PubMed 24046192; PubMed 16467446; PubMed 12028435; PubMed 28704582; PubMed 17942953.